The following is an entry in ClinVar:

NM_000088.4(COL1A1):c.2559+5G>A

Gene: COL1A1 (collagen type I alpha 1 chain; minus strand). Cytogenetic location: 17q21.33.
Variant type: single nucleotide variant.
Coding change: c.2559+5G>A on transcript NM_000088.4 (MANE Select); 5 bases into the intron after coding-DNA position 2559, G replaced by A.
Molecular consequence: intron variant.
Genome position (GRCh38, 1-based): chr17:50,189,996, C>T on the plus strand (G>A on the coding strand, the complement: COL1A1 is on the minus strand). VCF-style: chr17-50189996-C-T. GRCh37 (hg19) VCF-style: chr17-48267357-C-T.
Identifiers: ClinVar variation 1372317 (VCV001372317.7), dbSNP rs72653138, ClinGen allele CA291543288.

ClinVar aggregate classification (germline): Uncertain significance. Review status: criteria provided, multiple submitters, no conflicts (2 of 4 stars). 2 submissions from 2 submitters: Uncertain significance (2). Last evaluated 2024-07-15.

Conditions:
Osteogenesis imperfecta type I (OI1). Also called: Lobstein's Disease; OI, TYPE I; OSTEOGENESIS IMPERFECTA TARDA; OSTEOGENESIS IMPERFECTA WITH BLUE SCLERAE; Osteogenesis imperfecta type 1; Lobstein disease. Identifiers: Orphanet 216796, Orphanet 666, MedGen C0023931, MONDO:0008146, OMIM 166200. Disease mechanism: loss of function.

Submissions (2):

GeneDx
Classification: Uncertain significance. Last evaluated: 2024-07-15. Review status: criteria provided, single submitter. Criteria: GeneDx Variant Classification Process June 2021. Collection method: clinical testing. Allele origin: germline. Affected: yes.
Comment: Identified in a patient with osteogenesis imperfecta, however, clinical information was not provided (PMID: 17078022); Not observed at significant frequency in large population cohorts (gnomAD); In silico analysis is inconclusive as to whether the variant alters gene splicing. In the absence of RNA/functional studies, the actual effect of this sequence change is unknown.; This variant is associated with the following publications: (PMID: 25525159, 17078022)

Labcorp Genetics (formerly Invitae), Labcorp
Classification: Uncertain significance for Osteogenesis imperfecta type I. Last evaluated: 2024-02-28. Review status: criteria provided, single submitter. Criteria: Invitae Variant Classification Sherloc (09022015). Collection method: clinical testing. Allele origin: germline.
Comment: This sequence change falls in intron 36 of the COL1A1 gene. It does not directly change the encoded amino acid sequence of the COL1A1 protein. It affects a nucleotide within the consensus splice site. This variant is not present in population databases (gnomAD no frequency). This variant has been observed in individual(s) with osteogenesis imperfecta (PMID: 17078022). This variant is also known as IVS37+5G>A. ClinVar contains an entry for this variant (Variation ID: 1372317). Variants that disrupt the consensus splice site are a relatively common cause of aberrant splicing (PMID: 17576681, 9536098). Algorithms developed to predict the effect of sequence changes on RNA splicing suggest that this variant may disrupt the consensus splice site. In summary, the available evidence is currently insufficient to determine the role of this variant in disease. Therefore, it has been classified as a Variant of Uncertain Significance.

Literature cited by the submitters: PubMed 17078022 (cited by Labcorp Genetics (formerly Invitae), Labcorp); PubMed 17576681 (cited by Labcorp Genetics (formerly Invitae), Labcorp); PubMed 9536098 (cited by Labcorp Genetics (formerly Invitae), Labcorp).